The following is an entry in ClinVar:

NM_000245.4(MET):c.473T>C (p.Val158Ala)

Gene: MET (MET proto-oncogene, receptor tyrosine kinase; plus strand). Cytogenetic location: 7q31.2.
Variant type: single nucleotide variant.
Coding change: c.473T>C on transcript NM_000245.4 (MANE Select); coding-DNA position 473, T replaced by C.
Protein change: p.Val158Ala; replaces valine 158 with alanine.
Molecular consequence: missense variant. On other transcripts: intron variant (1).
Genome position (GRCh38, 1-based): chr7:116,699,557, T>C. VCF-style: chr7-116699557-T-C. GRCh37 (hg19) VCF-style: chr7-116339611-T-C.
Other names: c.473T>C, p.Val158Ala (NM_001127500.3, NM_001324401.3); c.-91+26980T>C (NM_001324402.2); short protein forms V158A.
Identifiers: ClinVar variation 1345408 (VCV001345408.6), dbSNP rs2116589740, ClinGen allele CA368969159.

ClinVar aggregate classification (germline): Uncertain significance (1 of 4 stars; one submission).

Conditions:
Renal cell carcinoma. Identifiers: Orphanet 217071, MedGen C0007134, MeSH D002292, MONDO:0005086, HP:0005584.

Submission:

Labcorp Genetics (formerly Invitae), Labcorp
Classification: Uncertain significance for Renal cell carcinoma. Last evaluated: 2024-01-02. Review status: criteria provided, single submitter. Criteria: Invitae Variant Classification Sherloc (09022015). Collection method: clinical testing. Allele origin: germline.
Comment: This sequence change replaces valine, which is neutral and non-polar, with alanine, which is neutral and non-polar, at codon 158 of the MET protein (p.Val158Ala). This variant is not present in population databases (gnomAD no frequency). This variant has not been reported in the literature in individuals affected with MET-related conditions. ClinVar contains an entry for this variant (Variation ID: 1345408). Advanced modeling of protein sequence and biophysical properties (such as structural, functional, and spatial information, amino acid conservation, physicochemical variation, residue mobility, and thermodynamic stability) performed at Invitae indicates that this missense variant is not expected to disrupt MET protein function with a negative predictive value of 80%. In summary, the available evidence is currently insufficient to determine the role of this variant in disease. Therefore, it has been classified as a Variant of Uncertain Significance.